The following is an entry in ClinVar:

NM_058216.3(RAD51C):c.730A>G (p.Ile244Val)

Gene: RAD51C (RAD51 paralog C; plus strand). Cytogenetic location: 17q22.
Variant type: single nucleotide variant.
Coding change: c.730A>G on transcript NM_058216.3 (MANE Select); coding-DNA position 730, A replaced by G.
Protein change: p.Ile244Val; replaces isoleucine 244 with valine.
Molecular consequence: missense variant. On other transcripts: non-coding transcript variant (1).
Genome position (GRCh38, 1-based): chr17:58,709,883, A>G. VCF-style: chr17-58709883-A-G. GRCh37 (hg19) VCF-style: chr17-56787244-A-G.
Other names: p.I244V:ATT>GTT; short protein forms I244V.
Identifiers: ClinVar variation 182827 (VCV000182827.45), dbSNP rs199886026, ClinGen allele CA299861.
Genomic context (GRCh38, chr17:58,709,883, plus strand): 5'-TCGTAACAAATCTAATATTATCTCTTCTGTATTTAGGTTCGACTAGTGATAGTGGATGGT[A>G]TTGCTTTTCCATTTCGTCATGACCTAGATGACCTGTCTCTTCGTACTCGGTTATTAAATG-3'
Protein context (NP_478123.1, residues 234-254): SKVRLVIVDG[Ile244Val]AFPFRHDLDD

ClinVar aggregate classification (germline): Conflicting classifications of pathogenicity. Review status: criteria provided, conflicting classifications (1 of 4 stars). 17 submissions from 17 submitters: Uncertain significance (14); Likely benign (3). Last evaluated 2026-01-13.

Conditions:
Familial ovarian cancer. Identifiers: MedGen C5679802, MONDO:0016248.
RAD51C-related disorder. Also called: RAD51C-related condition; RAD51C-related disorders.
Breast-ovarian cancer, familial, susceptibility to, 3. Also called: RAD51C-Related Breast/Ovarian Cancer. Identifiers: Orphanet 145, MedGen C3150659, MONDO:0013253, OMIM 613399.
Fanconi anemia complementation group O. Also called: RAD51C-Related Fanconi Anemia. Identifiers: Orphanet 84, MedGen C3150653, MONDO:0013248, OMIM 613390.
Hereditary cancer-predisposing syndrome. Also called: Neoplastic Syndromes, Hereditary; Tumor predisposition; Hereditary neoplastic syndrome; Hereditary Cancer Syndrome. Identifiers: Orphanet 140162, MedGen C0027672, MeSH D009386, MONDO:0015356.
Hereditary breast ovarian cancer syndrome. Also called: Hereditary breast and/or ovarian cancer syndrome; Hereditary breast and ovarian cancer syndrome; Hereditary breast and ovarian cancer; Hereditary breast and ovarian cancer syndrome (HBOC); Breast and ovarian cancer; BRCA1- and BRCA2-Associated Hereditary Breast and Ovarian Cancer. Identifiers: Orphanet 145, MedGen C0677776, MeSH D061325, MONDO:0003582. Disease mechanism: loss of function.

Allele frequency attached by ClinVar (database versions not stated): gnomAD 0.00001 and 0.00003; ExAC 0.00004; TOPMed 0.00004; gnomAD exomes 0.00005 and 0.00008; 1000 Genomes Project 30x 0.00031; 1000 Genomes Project 0.00060.
gnomAD v4.1: 119 of 1,609,758 alleles (0.0074%); highest among the groups gnomAD compares: South Asian, 0.027%; no homozygotes.

Submissions 1 to 9 of 17:

Labcorp Genetics (formerly Invitae), Labcorp
Classification: Uncertain significance for Fanconi anemia complementation group O. Last evaluated: 2026-01-13. Review status: criteria provided, single submitter. Criteria: Invitae Variant Classification Sherloc (09022015). Collection method: clinical testing. Allele origin: germline.
Comment: This sequence change replaces isoleucine, which is neutral and non-polar, with valine, which is neutral and non-polar, at codon 244 of the RAD51C protein (p.Ile244Val). This variant is present in population databases (rs199886026, gnomAD 0.02%). This missense change has been observed in individual(s) with RAD51C-related conditions (PMID: 27978560, 33552952, 35039523, 38136308). ClinVar contains an entry for this variant (Variation ID: 182827). Invitae Evidence Modeling of protein sequence and biophysical properties (such as structural, functional, and spatial information, amino acid conservation, physicochemical variation, residue mobility, and thermodynamic stability) indicates that this missense variant is not expected to disrupt RAD51C protein function with a negative predictive value of 80%. In summary, the available evidence is currently insufficient to determine the role of this variant in disease. Therefore, it has been classified as a Variant of Uncertain Significance.

PreventionGenetics, part of Exact Sciences
Classification: Uncertain significance for RAD51C-related condition. Last evaluated: 2025-11-12. Review status: criteria provided, single submitter. Criteria: ACMG Guidelines, 2015. Collection method: clinical testing. Allele origin: germline.
Comment: The RAD51C c.730A>G variant is predicted to result in the amino acid substitution p.Ile244Val. This variant has been reported in an individual with breast cancer (Tung et al. 2015. PubMed ID: 25186627, Supp. Info 2) and an individual with an early-onset mismatch repair proficient sigmoid tumor (Pearlman et al. 2017. PubMed ID: 27978560). This variant has also been reported one control in an ovarian cancer cohort study (Loveday et al. 2012. PubMed ID: 22538716, Supp. Table 3). Functional studies indicate that this variant does not impact RAD51C protein function (Hu et al. 2023. PubMed ID: 37253112). This variant is reported in 0.023% of alleles in individuals of South Asian descent in gnomAD and has conflicting interpretations in ClinVar ranging from likely benign to uncertain (Variation ID: 182827). Although we suspect that this variant may be benign, at this time, the clinical significance of this variant is uncertain due to the absence of conclusive functional and genetic evidence.

Color Diagnostics, LLC DBA Color Health
Classification: Uncertain significance for Hereditary cancer-predisposing syndrome. Last evaluated: 2025-11-04. Review status: criteria provided, single submitter. Criteria: ACMG Guidelines, 2015. Collection method: clinical testing. Allele origin: germline.
Comment: This missense variant replaces isoleucine with valine at codon 244 of the RAD51C protein. Computational prediction suggests that this variant may not impact protein structure and function. To our knowledge, functional studies have not been reported for this variant. This variant has been reported in individuals affected with hereditary breast and ovarian cancer (PMID: 33552952, 38136308), breast cancer (PMID: 25186627) and colorectal cancer (PMID: 27978560), as well as in a healthy control individual (PMID: 22538716). This variant has been identified in 12/251422 chromosomes in the general population by the Genome Aggregation Database (gnomAD). The available evidence is insufficient to determine the role of this variant in disease conclusively. Therefore, this variant is classified as a Variant of Uncertain Significance.

Quest Diagnostics Nichols Institute San Juan Capistrano
Classification: Uncertain significance. Last evaluated: 2025-07-08. Review status: criteria provided, single submitter. Criteria: Quest Diagnostics criteria. Collection method: clinical testing. Allele origin: unknown.
Comment: The RAD51C c.730A>G (p.Ile244Val) variant has been reported in the published literature in individuals with colorectal cancer (PMID: 27978560 (2016)) and breast and/or ovarian cancer (PMIDs: 25186627 (2015), 33552952 (2020), 38136308 (2023)), as well as in a reportedly unaffected individual in an ovarian cancer study (PMID: 22538716 (2016)). In a large-scale breast cancer association study, this variant was observed in both breast cancer cases and reportedly unaffected individuals (PMID: 33471991 (2021), see also LOVD). Assessment of experimental analysis yielded inconclusive results regarding the impact of this variant on protein function (PMID: 37253112 (2023)). The frequency of this variant in the general population (Genome Aggregation Database) is uninformative in the assessment of its pathogenicity. Analysis of this variant using bioinformatics tools for the prediction of the effect of amino acid changes on protein structure and function yielded predictions that this variant is benign. Based on the available information, we are unable to determine the clinical significance of this variant.

Women's Health and Genetics/Laboratory Corporation of America, LabCorp
Classification: Likely benign. Last evaluated: 2025-07-01. Review status: criteria provided, single submitter. Criteria: LabCorp Variant Classification Summary - May 2015. Collection method: clinical testing. Allele origin: germline.
Comment: Variant summary: RAD51C c.730A>G (p.Ile244Val) results in a conservative amino acid change in the encoded protein sequence. Algorithms developed to predict the effect of missense changes on protein structure and function are either unavailable or do not agree on the potential impact of this missense change. The variant allele was found at a frequency of 7.4e-05 in 1612070 control chromosomes, predominantly at a frequency of 0.00027 within the South Asian subpopulation in the gnomAD database. The observed variant frequency within South Asian control individuals in the gnomAD database is approximately 4.32 fold of the estimated maximal expected allele frequency for a pathogenic variant in RAD51C causing Hereditary Breast And Ovarian Cancer Syndrome phenotype (6.3e-05). c.730A>G has been observed in individual(s) affected with Hereditary Breast And Ovarian Cancer Syndrome (Loveday_2012, Kadri_2020). These report(s) do not provide unequivocal conclusions about association of the variant with Hereditary Breast And Ovarian Cancer Syndrome. To our knowledge, no experimental evidence demonstrating an impact on protein function has been reported. The following publications have been ascertained in the context of this evaluation (PMID: 22538716, 33552952). ClinVar contains an entry for this variant (Variation ID: 182827). Based on the evidence outlined above, the variant was classified as likely benign.

Dasa
Classification: Uncertain significance. Last evaluated: 2025-05-14. Review status: criteria provided, single submitter. Criteria: DASA Assertion Criteria. Collection method: clinical testing. Allele origin: germline.
Comment: NM_058216.3(RAD51C):c.730A>G (p.Ile244Val) is a missense variant that results in the substitution of isoleucine with valine. This variant is rare in population databases. Computational prediction algorithms are consistent with a benign effect. The currently available literature and clinical evidence are not sufficient to establish a definitive association between this variant and the reported condition. Therefore, this variant is classified as a variant of uncertain significance.

Center for Genomic Medicine, Rigshospitalet, Copenhagen University Hospital
Classification: Uncertain significance. Last evaluated: 2025-03-04. Review status: criteria provided, single submitter. Criteria: ACMG Guidelines, 2015. Collection method: clinical testing. Allele origin: germline.

Myriad Genetics, Inc.
Classification: Likely benign for Breast-ovarian cancer, familial, susceptibility to, 3. Last evaluated: 2025-02-19. Review status: criteria provided, single submitter. Criteria: Myriad Autosomal Dominant, Autosomal Recessive and X-Linked Classification Criteria (2023). Collection method: clinical testing. Allele origin: unknown.
Comment: This variant is considered likely benign. This variant is strongly associated with less severe personal and family histories of cancer, typical for individuals without pathogenic variants in this gene [PMID: 25085752].

Molecular Pathology, Peter Maccallum Cancer Centre
Classification: Uncertain significance for Familial ovarian cancer. Last evaluated: 2024-10-14. Review status: criteria provided, single submitter. Criteria: ACMG Guidelines, 2015. Collection method: clinical testing. Allele origin: germline. Inheritance: Autosomal dominant inheritance.